The following is an entry in ClinVar:

ClinVar aggregate classification (germline): Pathogenic (1 of 4 stars; one submission).

Conditions:
Oculofaciocardiodental syndrome (MCOPS2). Identifiers: Orphanet 2712, MedGen C1846265, MONDO:0010261, OMIM 300166.

Submission:

Labcorp Genetics (formerly Invitae), Labcorp
Classification: Pathogenic for Oculofaciocardiodental syndrome. Last evaluated: 2025-07-22. Review status: criteria provided, single submitter. Criteria: Invitae Variant Classification Sherloc (09022015). Collection method: clinical testing. Allele origin: germline.
Comment: This sequence change creates a premature translational stop signal (p.Gln1494Argfs*40) in the BCOR gene. It is expected to result in an absent or disrupted protein product. Loss-of-function variants in BCOR are known to be pathogenic (PMID: 15004558, 19367324). This variant is not present in population databases (gnomAD no frequency). This variant has not been reported in the literature in individuals affected with BCOR-related conditions. For these reasons, this variant has been classified as Pathogenic.

Literature cited by the submitters: PubMed 15004558; PubMed 19367324.

NM_001123385.2(BCOR):c.4582del (p.Gln1528fs)

Gene: BCOR (BCL6 corepressor; minus strand). Cytogenetic location: Xp11.4.
Variant type: Deletion.
Coding change: c.4582del on transcript NM_001123385.2 (MANE Select); coding-DNA position 4582, one base deleted (C; older notation c.4582delC).
Protein change: p.Gln1528fs; shifts the reading frame from glutamine 1528.
Molecular consequence: frameshift variant.
Genome position (GRCh38, 1-based): chrX:40,057,168, G deleted on the plus strand (C on the coding strand, the reverse complement: BCOR is on the minus strand); the first of 3 consecutive G bases (chrX:40,057,168-40,057,170); deleting any one gives the same sequence. VCF-style (leftmost placement, unchanged base first): chrX-40057167-TG-T. GRCh37 (hg19) VCF-style: chrX-39916420-TG-T.
Other names: c.4480del, p.Gln1494fs (NM_001123383.2, NM_001438208.1, NM_017745.6); c.4426del, p.Gln1476fs (NM_001123384.2); c.4582del, p.Gln1528fs (NM_001437510.1, NM_001437511.1); c.4528del, p.Gln1510fs (NM_001438207.1); short protein forms Q1476fs, Q1510fs, Q1528fs, Q1494fs.
Identifiers: ClinVar variation 4723705 (VCV004723705.1).